The following is an entry in ClinVar:

NM_001164277.2(SLC37A4):c.626+19C>T

Gene: SLC37A4 (solute carrier family 37 member 4; minus strand). Cytogenetic location: 11q23.3.
Variant type: single nucleotide variant.
Coding change: c.626+19C>T on transcript NM_001164277.2 (MANE Select); 19 bases into the intron after coding-DNA position 626, C replaced by T.
Molecular consequence: intron variant.
Genome position (GRCh38, 1-based): chr11:119,027,609, G>A on the plus strand (C>T on the coding strand, the complement: SLC37A4 is on the minus strand). VCF-style: chr11-119027609-G-A. GRCh37 (hg19) VCF-style: chr11-118898319-G-A.
Other names: c.407+19C>T (NM_001164279.2); c.626+19C>T (NM_001467.6, NM_001164278.2, NM_001164280.2).
Identifiers: ClinVar variation 139190 (VCV000139190.18), dbSNP rs741811, ClinGen allele CA293577.

ClinVar aggregate classification (germline): Benign/Likely benign. Review status: criteria provided, multiple submitters, no conflicts (2 of 4 stars). 8 submissions from 7 submitters: Benign (7); Likely benign (1). Last evaluated 2026-02-04.

Conditions:
Phosphate transport defect (GSD1C). Also called: GSD Ic; GLYCOGEN STORAGE DISEASE Ic. Identifiers: Orphanet 364, Orphanet 79259, MedGen C0342749, OMIM 232240.
Glucose-6-phosphate transport defect (GSD1B). Also called: Glycogen Storage Disease Type Ib; GSD Ib. Identifiers: Orphanet 364, Orphanet 79259, MedGen C0268146, MONDO:0009288, OMIM 232220.

Allele frequency attached by ClinVar (database versions not stated): gnomAD 0.11102 and 0.11021; ESP Exome Variant Server 0.11585; gnomAD exomes 0.12255 and 0.10575; 1000 Genomes Project 0.07748; 1000 Genomes Project 30x 0.07901; ExAC 0.10566; TOPMed 0.10880.

Submissions (8):

Labcorp Genetics (formerly Invitae), Labcorp
Classification: Benign for Glucose-6-phosphate transport defect. Last evaluated: 2026-02-04. Review status: criteria provided, single submitter. Criteria: Invitae Variant Classification Sherloc (09022015). Collection method: clinical testing. Allele origin: germline.

Blueprint Genetics
Classification: Likely benign. Last evaluated: 2024-11-27. Review status: criteria provided, single submitter. Criteria: ACMG Guidelines, 2015. Collection method: clinical testing. Allele origin: germline.

Genome-Nilou Lab
Classification: Benign for Glucose-6-phosphate transport defect. Last evaluated: 2021-07-01. Review status: criteria provided, single submitter. Criteria: ACMG Guidelines, 2015. Collection method: clinical testing. Allele origin: germline. Affected: no.

Genome-Nilou Lab
Classification: Benign for Phosphate transport defect. Last evaluated: 2021-07-01. Review status: criteria provided, single submitter. Criteria: ACMG Guidelines, 2015. Collection method: clinical testing. Allele origin: germline. Affected: no.

Eurofins Ntd Llc (ga)
Classification: Benign. Last evaluated: 2018-07-12. Review status: criteria provided, single submitter. Criteria: EGL ClinVar v180209 classification definitions. Collection method: clinical testing. Allele origin: germline. Observed: 74 variant alleles, 67 heterozygotes, 7 homozygotes.

GeneDx
Classification: Benign. Last evaluated: 2013-11-12. Review status: criteria provided, single submitter. Criteria: GeneDx Variant Classification (06012015). Collection method: clinical testing. Allele origin: germline. Affected: yes.
Comment: This variant is considered likely benign or benign based on one or more of the following criteria: it is a conservative change, it occurs at a poorly conserved position in the protein, it is predicted to be benign by multiple in silico algorithms, and/or has population frequency not consistent with disease.

Breakthrough Genomics
Classification: Benign. Review status: criteria provided, single submitter. Criteria: ACMG Guidelines, 2015. Collection method: not provided. Allele origin: germline. Inheritance: Autosomal recessive inheritance. Affected: yes.

PreventionGenetics, part of Exact Sciences
Classification: Benign. Review status: criteria provided, single submitter. Criteria: ACMG Guidelines, 2015. Collection method: clinical testing. Allele origin: germline.